The following is an entry in ClinVar:

NM_000091.5(COL4A3):c.1307G>C (p.Gly436Ala)

Genes: COL4A3 (collagen type IV alpha 3 chain; plus strand), MFF-DT (MFF divergent transcript; minus strand). Cytogenetic location: 2q36.3.
Variant type: single nucleotide variant.
Coding change: c.1307G>C on transcript NM_000091.5 (MANE Select); coding-DNA position 1307, G replaced by C.
Protein change: p.Gly436Ala; replaces glycine 436 with alanine.
Molecular consequence: missense variant.
Genome position (GRCh38, 1-based): chr2:227,263,936, G>C. VCF-style: chr2-227263936-G-C. GRCh37 (hg19) VCF-style: chr2-228128652-G-C.
Other names: short protein forms G436A.
Identifiers: ClinVar variation 2161074 (VCV002161074.19), dbSNP rs1237274947, ClinGen allele CA350869600.

ClinVar aggregate classification (germline): Conflicting classifications of pathogenicity. Review status: criteria provided, conflicting classifications (1 of 4 stars). 7 submissions from 7 submitters: Likely pathogenic (5); Uncertain significance (2). Last evaluated 2025-12-08.

Conditions:
Alport syndrome. Also called: Hemorrhagic familial nephritis; Hemorrhagic hereditary nephritis; Congenital hereditary hematuria. Identifiers: Orphanet 63, MedGen C1567741, MONDO:0018965.
Autosomal dominant Alport syndrome (ATS3A). Also called: Alport syndrome dominant type; Renal failure and sensorineural hearing loss; ALPORT SYNDROME 3A, AUTOSOMAL DOMINANT. Identifiers: Orphanet 63, Orphanet 88918, MedGen C5882663, MONDO:0007086, OMIM 104200.
Hematuria, benign familial, 2 (BFH2). Identifiers: MedGen C5830421, MONDO:0958186, OMIM 620320.
Alport syndrome 3b, autosomal recessive. Identifiers: MedGen C5882699, MONDO:0957811, OMIM 620536.
Inborn genetic diseases. Identifiers: MedGen C0950123, MeSH D030342.

Allele frequency attached by ClinVar (database versions not stated): gnomAD 0.00001; TOPMed 0.00001; gnomAD exomes 0.00004.
gnomAD v4.1: 57 of 1,613,940 alleles (0.0035%); highest among the groups gnomAD compares: East Asian, 0.011%; no homozygotes.

Submissions (7):

3billion
Classification: Likely pathogenic for Alport syndrome 3b, autosomal recessive. Last evaluated: 2025-12-08. Review status: criteria provided, single submitter. Criteria: ACMG Guidelines, 2015. Collection method: clinical testing. Allele origin: germline. Affected: yes.
Comment: The variant is observed at an extremely low frequency in the gnomAD v4.1.0 dataset (total allele frequency: 0.004%). Predicted Consequence/Location: Missense variant In silico tool predictions suggest damaging effect of the variant on gene or gene product [REVEL: 0.91 (>=0.6, sensitivity 0.68 and specificity 0.92); 3Cnet: 0.99 (> 0.75, sensitivity 0.96 and precision 0.92)]. The same nucleotide change resulting in the same amino acid change has been previously reported as pathogenic/likely pathogenic with strong evidence (ClinVar ID: VCV002161074 /3billion dataset). Therefore, this variant is classified as Likely pathogenic according to the recommendation of ACMG/AMP guideline.

Labcorp Genetics (formerly Invitae), Labcorp
Classification: Uncertain significance. Last evaluated: 2025-11-23. Review status: criteria provided, single submitter. Criteria: Invitae Variant Classification Sherloc (09022015). Collection method: clinical testing. Allele origin: germline.
Comment: This sequence change replaces glycine, which is neutral and non-polar, with alanine, which is neutral and non-polar, at codon 436 of the COL4A3 protein (p.Gly436Ala). This variant is present in population databases (no rsID available, gnomAD 0.02%). This variant has not been reported in the literature in individuals affected with COL4A3-related conditions. ClinVar contains an entry for this variant (Variation ID: 2161074). Invitae Evidence Modeling of protein sequence and biophysical properties (such as structural, functional, and spatial information, amino acid conservation, physicochemical variation, residue mobility, and thermodynamic stability) has been performed for this missense variant. However, the output from this modeling did not meet the statistical confidence thresholds required to predict the impact of this variant on COL4A3 protein function. In summary, the available evidence is currently insufficient to determine the role of this variant in disease. Therefore, it has been classified as a Variant of Uncertain Significance.

Ambry Genetics
Classification: Uncertain significance for Inborn genetic diseases. Last evaluated: 2025-10-15. Review status: criteria provided, single submitter. Criteria: Ambry Variant Classification Scheme 2023. Collection method: clinical testing. Allele origin: germline.
Comment: The c.1307G>C (p.G436A) alteration is located in exon 21 (coding exon 21) of the COL4A3 gene. This alteration results from a G to C substitution at nucleotide position 1307, causing the glycine (G) at amino acid position 436 to be replaced by an alanine (A). Based on data from gnomAD, the C allele has an overall frequency of 0.002% (5/280838) total alleles studied. The highest observed frequency was 0.015% (3/19532) of East Asian alleles. This amino acid position is highly conserved in available vertebrate species. This alteration is predicted to be deleterious by in silico analysis. Based on insufficient or conflicting evidence, the clinical significance of this alteration remains unclear.

Natera, Inc.
Classification: Likely pathogenic for Alport syndrome. Last evaluated: 2025-08-22. Review status: criteria provided, single submitter. Criteria: Natera Variant Classification Schema (03/2026). Collection method: clinical testing. Allele origin: germline.
Comment: The c.1307G>C variant in COL4A3 is a missense variant predicted to cause substitution of glycine to alanine at amino acid 436. This variant is rare in the general population with a frequency below the threshold expected for the associated phenotype(s). This variant is located in a functionally critical region of the protein. Computational prediction algorithms indicate this variant is likely to affect gene or protein function. Given the available evidence, this variant is classified as Likely Pathogenic.

CeGaT Center for Human Genetics Tuebingen
Classification: Likely pathogenic. Last evaluated: 2025-06-01. Review status: criteria provided, single submitter. Criteria: CeGaT Center For Human Genetics Tuebingen Variant Classification Criteria Version 2. Collection method: clinical testing. Allele origin: germline. Affected: yes. Observed: 5 variant alleles.
Comment: COL4A3: PM1:Strong, PM2

Fulgent Genetics
Classification: Likely pathogenic for Autosomal dominant Alport syndrome; Hematuria, benign familial, 2; Alport syndrome 3b, autosomal recessive. Last evaluated: 2024-05-21. Review status: criteria provided, single submitter. Criteria: ACMG Guidelines, 2015. Collection method: clinical testing. Allele origin: germline.

Victorian Clinical Genetics Services, Murdoch Childrens Research Institute
Classification: Likely pathogenic for Alport syndrome. Last evaluated: 2023-07-17. Review status: criteria provided, single submitter. Criteria: ACMG Guidelines, 2015. Collection method: clinical testing. Allele origin: germline. Affected: yes.
Comment: Based on the classification scheme VCGS_Germline_v1.3.4, this variant is classified as Likely Pathogenic. Following criteria are met: 0103 - Dominant negative and loss of function are known mechanisms of disease in this gene and are associated with Alport syndrome. Glycine changes that are part of a G-X-Y repeat in the triple helix of a collagen domain are known to have a dominant negative effect (PMID: 12028435). (I) 0108 - This gene is associated with both recessive (Alport syndrome 2 MIM#203780) and dominant disease (Alport syndrome 3 MIM#104200 and benign familial haematuria MIM#141200) (OMIM). (I) 0200 - Variant is predicted to result in a missense amino acid change from glycine to alanine. (I) 0251 - This variant is heterozygous. (I) 0304 - Variant is present in gnomAD (v2) <0.01 (5 heterozygotes, 0 homozygotes). (SP) 0501 - Missense variant consistently predicted to be damaging by multiple in silico tools or highly conserved with a major amino acid change. (SP) 0601 - Variant is located in the well-established functional glycine change within a G-X-Y repeat; however, this repeat is close to an interruption in the sequence (DECIPHER, PMID: 33854215). (SP) 0710 - Another missense variant comparable to the one identified in this case has inconclusive previous evidence for pathogenicity. This alternative change, p.(Gly436Val), has been reported as a VUS in a homozygous individual with haematuria and nephrotic range proteinuria (ClinVar). (I) 0809 - Previous evidence of pathogenicity for this variant is inconclusive. This variant has been observed twice in a cohort without haematuria (PMID: 34400539). (I) 0905 - No published segregation evidence has been identified for this variant. (I) 1007 - No published functional evidence has been identified for this variant. (I) 1208 - Inheritance information for this variant is not currently available in this individual. (I) Legend: (SP) - Supporting pathogenic, (I) - Information, (SB) - Supporting benign

Literature cited by the submitters: PubMed 12028435 (cited by Victorian Clinical Genetics Services, Murdoch Childrens Research Institute); PubMed 33854215 (cited by Victorian Clinical Genetics Services, Murdoch Childrens Research Institute); PubMed 34400539 (cited by Victorian Clinical Genetics Services, Murdoch Childrens Research Institute).